The following is an entry in ClinVar:

ClinVar aggregate classification (germline): Uncertain significance (1 of 4 stars; one submission).

Conditions:
Regional enteritis. Also called: Enteritis, Granulomatous. Identifiers: MedGen C0678202, MeSH D003424.
Blau syndrome (BLAUS). Also called: ARTHROCUTANEOUVEAL GRANULOMATOSIS; GRANULOMATOSIS, FAMILIAL JUVENILE SYSTEMIC; GRANULOMATOSIS, FAMILIAL, BLAU TYPE; GRANULOMATOUS INFLAMMATORY ARTHRITIS, DERMATITIS, AND UVEITIS, FAMILIAL; JABS SYNDROME. Identifiers: Orphanet 90340, MedGen C5201146, MONDO:0008523, OMIM 186580.

Allele frequency attached by ClinVar (database versions not stated): gnomAD exomes below 0.00001.

Submission:

Labcorp Genetics (formerly Invitae), Labcorp
Classification: Uncertain significance for Regional enteritis; Blau syndrome. Last evaluated: 2023-04-03. Review status: criteria provided, single submitter. Criteria: Invitae Variant Classification Sherloc (09022015). Collection method: clinical testing. Allele origin: germline.
Comment: This variant is not present in population databases (gnomAD no frequency). This variant has not been reported in the literature in individuals affected with NOD2-related conditions. Advanced modeling of protein sequence and biophysical properties (such as structural, functional, and spatial information, amino acid conservation, physicochemical variation, residue mobility, and thermodynamic stability) performed at Invitae indicates that this missense variant is not expected to disrupt NOD2 protein function. In summary, the available evidence is currently insufficient to determine the role of this variant in disease. Therefore, it has been classified as a Variant of Uncertain Significance. This sequence change replaces glutamic acid, which is acidic and polar, with glycine, which is neutral and non-polar, at codon 169 of the NOD2 protein (p.Glu169Gly).

NM_001370466.1(NOD2):c.425A>G (p.Glu142Gly)

Gene: NOD2 (nucleotide binding oligomerization domain containing 2; plus strand). Cytogenetic location: 16q12.1.
Variant type: single nucleotide variant.
Coding change: c.425A>G on transcript NM_001370466.1 (MANE Select); coding-DNA position 425, A replaced by G.
Protein change: p.Glu142Gly; replaces glutamic acid 142 with glycine.
Molecular consequence: missense variant. On other transcripts: non-coding transcript variant (1).
Genome position (GRCh38, 1-based): chr16:50,699,920, A>G. VCF-style: chr16-50699920-A-G. GRCh37 (hg19) VCF-style: chr16-50733831-A-G.
Other names: c.425A>G, p.Glu142Gly (NM_001293557.2); c.506A>G, p.Glu169Gly (NM_022162.3); short protein forms E142G, E169G.
Identifiers: ClinVar variation 2943478 (VCV002943478.3), dbSNP rs1771155092, ClinGen allele CA395866947.